The following is an entry in ClinVar:

NM_001365276.2(TNXB):c.2821C>T (p.Pro941Ser)

Gene: TNXB (tenascin XB; minus strand). Cytogenetic location: 6p21.33.
Variant type: single nucleotide variant.
Coding change: c.2821C>T on transcript NM_001365276.2 (MANE Select); coding-DNA position 2821, C replaced by T.
Protein change: p.Pro941Ser; replaces proline 941 with serine.
Molecular consequence: missense variant.
Genome position (GRCh38, 1-based): chr6:32,086,077, G>A on the plus strand (C>T on the coding strand, the complement: TNXB is on the minus strand). VCF-style: chr6-32086077-G-A. GRCh37 (hg19) VCF-style: chr6-32053854-G-A.
Other names: c.2821C>T, p.Pro941Ser (NM_019105.8); short protein forms P941S.
Identifiers: ClinVar variation 1796454 (VCV001796454.2), dbSNP rs2483703032, ClinGen allele CA363451000.
Genomic context (GRCh38, chr6:32,086,077, plus strand): 5'-GGGGGCGCTGCTGCAGGAGAGGAGCCTGGGCCCCTTGCGTCGTCGAGGGGCCTGAGGGAG[G>A]AGGCTCATCGGTAGTCCCCAAGAGGCCCAAGGGTGAGGACCCTGGGAAGGGGCAGGGTGA-3'
Protein context (NP_001352205.1, residues 931-951): LGLLGTTDEP[Pro941Ser]PSGPSTTQGA

ClinVar aggregate classification (germline): Uncertain significance (1 of 4 stars; one submission).

Conditions:
Cardiovascular phenotype. Identifiers: MedGen CN230736.

Submission:

Ambry Genetics
Classification: Uncertain significance for Cardiovascular phenotype. Last evaluated: 2021-07-22. Review status: criteria provided, single submitter. Criteria: Ambry Variant Classification Scheme 2023. Collection method: clinical testing. Allele origin: germline.
Comment: The p.P941S variant (also known as c.2821C>T), located in coding exon 6 of the TNXB gene, results from a C to T substitution at nucleotide position 2821. The proline at codon 941 is replaced by serine, an amino acid with similar properties. This amino acid position is conserved. In addition, this alteration is predicted to be tolerated by in silico analysis. Since supporting evidence is limited at this time, the clinical significance of this alteration remains unclear.